The following is an entry in ClinVar:

ClinVar aggregate classification (germline): Uncertain significance (1 of 4 stars; one submission).

gnomAD v4.1: 1 of 1,579,594 alleles (0.000063%); highest among the groups gnomAD compares: Admixed American, 0.002%; no homozygotes.

Submission:

Ambry Genetics
Classification: Uncertain significance. Last evaluated: 2025-11-07. Review status: criteria provided, single submitter. Criteria: Ambry Variant Classification Scheme 2023. Collection method: clinical testing. Allele origin: germline.
Comment: The p.P894S variant (also known as c.2680C>T), located in coding exon 13 of the GEN1 gene, results from a C to T substitution at nucleotide position 2680. The proline at codon 894 is replaced by serine, an amino acid with similar properties. This amino acid position is conserved. In addition, this alteration is predicted to be tolerated by in silico analysis. Based on the available evidence, the clinical significance of this variant remains unclear.

NM_001130009.3(GEN1):c.2680C>T (p.Pro894Ser)

Gene: GEN1 (GEN1 structure-specific endonuclease; plus strand). Cytogenetic location: 2p24.2.
Variant type: single nucleotide variant.
Coding change: c.2680C>T on transcript NM_001130009.3 (MANE Select); coding-DNA position 2680, C replaced by T.
Protein change: p.Pro894Ser; replaces proline 894 with serine.
Molecular consequence: missense variant.
Genome position (GRCh38, 1-based): chr2:17,781,892, C>T. VCF-style: chr2-17781892-C-T. GRCh37 (hg19) VCF-style: chr2-17963159-C-T.
Other names: c.2680C>T, p.Pro894Ser (NM_182625.5); short protein forms P894S.
Identifiers: ClinVar variation 4671497 (VCV004671497.1).